The following is an entry in ClinVar:

ClinVar aggregate classification (germline): Pathogenic (1 of 4 stars; one submission).

Submission:

Labcorp Genetics (formerly Invitae), Labcorp
Classification: Pathogenic. Last evaluated: 2023-01-17. Review status: criteria provided, single submitter. Criteria: Invitae Variant Classification Sherloc (09022015). Collection method: clinical testing. Allele origin: germline.
Comment: For these reasons, this variant has been classified as Pathogenic. This variant has not been reported in the literature in individuals affected with CAPN1-related conditions. This variant is not present in population databases (gnomAD no frequency). This sequence change creates a premature translational stop signal (p.Trp307*) in the CAPN1 gene. It is expected to result in an absent or disrupted protein product. Loss-of-function variants in CAPN1 are known to be pathogenic (PMID: 27153400, 27320912).

Literature cited by the submitters: PubMed 27153400; PubMed 27320912.

NM_005186.4(CAPN1):c.920G>A (p.Trp307Ter)

Gene: CAPN1 (calpain 1; plus strand). Cytogenetic location: 11q13.1.
Variant type: single nucleotide variant.
Coding change: c.920G>A on transcript NM_005186.4 (MANE Select); coding-DNA position 920, G replaced by A.
Protein change: p.Trp307Ter; replaces tryptophan 307 with a stop codon.
Molecular consequence: nonsense. On other transcripts: non-coding transcript variant (1).
Genome position (GRCh38, 1-based): chr11:65,188,031, G>A. VCF-style: chr11-65188031-G-A. GRCh37 (hg19) VCF-style: chr11-64955502-G-A.
Other names: c.920G>A, p.Trp307Ter (NM_001198868.2, NM_001198869.2); c.758G>A, p.Trp253Ter (NM_001198870.1); short protein forms W253*, W307*.
Identifiers: ClinVar variation 2829391 (VCV002829391.3), dbSNP rs2539266695, ClinGen allele CA381247317.
Genomic context (GRCh38, chr11:65,188,031, plus strand): 5'-AGGTGGTGAGCCTGATCCGGATGCGGAACCCCTGGGGCGAGGTGGAGTGGACGGGAGCCT[G>A]GAGCGACAGGTGAGGGGCAGTGGGCACTGTCTGGAGTGCCTTGGGGAAACTGTTAGGTGC-3'